The following is an entry in ClinVar:

ClinVar aggregate classification (germline): Uncertain significance (1 of 4 stars; one submission).

Conditions:
Long QT syndrome (LQTS). Identifiers: MedGen C0023976, MeSH D008133, MONDO:0002442. Disease mechanism: loss of function. Inheritance: Various modes of inheritance.

Submission:

Labcorp Genetics (formerly Invitae), Labcorp
Classification: Uncertain significance for Long QT syndrome. Last evaluated: 2021-11-22. Review status: criteria provided, single submitter. Criteria: Invitae Variant Classification Sherloc (09022015). Collection method: clinical testing. Allele origin: germline.
Comment: This sequence change replaces aspartic acid, which is acidic and polar, with histidine, which is basic and polar, at codon 1156 of the KCNH2 protein (p.Asp1156His). This variant is not present in population databases (gnomAD no frequency). This variant has not been reported in the literature in individuals affected with KCNH2-related conditions. Algorithms developed to predict the effect of missense changes on protein structure and function are either unavailable or do not agree on the potential impact of this missense change (SIFT: "Deleterious"; PolyPhen-2: "Probably Damaging"; Align-GVGD: "Class C0"). In summary, the available evidence is currently insufficient to determine the role of this variant in disease. Therefore, it has been classified as a Variant of Uncertain Significance.

NM_000238.4(KCNH2):c.3466G>C (p.Asp1156His)

Gene: KCNH2 (potassium voltage-gated channel subfamily H member 2; minus strand). Cytogenetic location: 7q36.1.
Variant type: single nucleotide variant.
Coding change: c.3466G>C on transcript NM_000238.4 (MANE Select); coding-DNA position 3466, G replaced by C.
Protein change: p.Asp1156His; replaces aspartic acid 1156 with histidine.
Molecular consequence: missense variant.
Genome position (GRCh38, 1-based): chr7:150,945,379, C>G on the plus strand (G>C on the coding strand, the complement: KCNH2 is on the minus strand). VCF-style: chr7-150945379-C-G. GRCh37 (hg19) VCF-style: chr7-150642467-C-G.
Other names: c.2446G>C, p.Asp816His (NM_172057.3); short protein forms D1156H, D816H.
Identifiers: ClinVar variation 1394476 (VCV001394476.6), dbSNP rs2116917171, ClinGen allele CA369851364.